The following is an entry in ClinVar:

NM_000051.4(ATM):c.4109+15A>C

Gene: ATM (ATM serine/threonine kinase; plus strand). Cytogenetic location: 11q22.3.
Variant type: single nucleotide variant.
Coding change: c.4109+15A>C on transcript NM_000051.4 (MANE Select); 15 bases into the intron after coding-DNA position 4109, A replaced by C.
Molecular consequence: intron variant.
Genome position (GRCh38, 1-based): chr11:108,287,730, A>C. VCF-style: chr11-108287730-A-C. GRCh37 (hg19) VCF-style: chr11-108158457-A-C.
Other names: c.4109+15A>C (NM_001351834.2).
Identifiers: ClinVar variation 389751 (VCV000389751.1), dbSNP rs1057523527, ClinGen allele CA16606072.
Genomic context (GRCh38, chr11:108,287,730, plus strand): 5'-CAAATTCTAGTGCCAGTCAGAGCACTGACCTCTGTGACTTTTCAGGGTATGTACATTTTA[A>C]ACTTAGAGAACTAGCTCTAACTTCACAAGTTTTTAAAGAAGTTTATTGGTTGACACCTTC-3'

ClinVar aggregate classification (germline): Likely benign (1 of 4 stars; one submission).

Submission:

GeneDx
Classification: Likely benign. Last evaluated: 2016-09-28. Review status: criteria provided, single submitter. Criteria: GeneDx Variant Classification (06012015). Collection method: clinical testing. Allele origin: germline. Affected: yes.
Comment: This variant is considered likely benign or benign based on one or more of the following criteria: it is a conservative change, it occurs at a poorly conserved position in the protein, it is predicted to be benign by multiple in silico algorithms, and/or has population frequency not consistent with disease.